The following is an entry in ClinVar:

ClinVar aggregate classification (germline): Pathogenic/Likely pathogenic. Review status: criteria provided, multiple submitters, no conflicts (2 of 4 stars). 4 submissions from 4 submitters: Pathogenic (3); Likely pathogenic (1). Last evaluated 2025-07-28.

Conditions:
Cystic fibrosis (CF). Also called: MUCOVISCIDOSIS. Identifiers: Orphanet 586, MedGen C0010674, MONDO:0009061, OMIM 219700. Disease mechanism: loss of function.
CFTR-related disorder (CFTR-RD). Also called: CFTR-related disorders; CFTR-related condition. Identifiers: MedGen C5924204, MONDO:7770004.

Allele frequency attached by ClinVar (database versions not stated): TOPMed 0.00001; gnomAD 0.00001.

Submissions (4):

Natera, Inc.
Classification: Likely pathogenic for CFTR-related disorders. Last evaluated: 2025-07-28. Review status: criteria provided, single submitter. Criteria: Natera Variant Classification Schema (03/2026). Collection method: clinical testing. Allele origin: germline.
Comment: The c.51delC variant in CFTR is a frameshift variant predicted to shift the reading frame beginning at codon 17 and leads to a stop codon 8 codons downstream. This variant is expected to result in nonsense mediated decay, truncation, or a dysfunctional protein product. This variant is rare in the general population with a frequency below the threshold expected for the associated phenotype(s). Given the available evidence, this variant is classified as Likely Pathogenic.

Labcorp Genetics (formerly Invitae), Labcorp
Classification: Pathogenic for Cystic fibrosis. Last evaluated: 2023-09-18. Review status: criteria provided, single submitter. Criteria: Invitae Variant Classification Sherloc (09022015). Collection method: clinical testing. Allele origin: germline.
Comment: For these reasons, this variant has been classified as Pathogenic. ClinVar contains an entry for this variant (Variation ID: 618565). This premature translational stop signal has been observed in individual(s) with cystic fibrosis (PMID: 26708955). This variant is not present in population databases (gnomAD no frequency). This sequence change creates a premature translational stop signal (p.Phe17Leufs*8) in the CFTR gene. It is expected to result in an absent or disrupted protein product. Loss-of-function variants in CFTR are known to be pathogenic (PMID: 1695717, 7691345, 9725922).

Mendelics
Classification: Pathogenic for Cystic fibrosis. Last evaluated: 2018-11-05. Review status: criteria provided, single submitter. Criteria: Mendelics Assertion Criteria 2017. Collection method: clinical testing. Allele origin: unknown. Affected: yes.

ARUP Laboratories, Molecular Genetics and Genomics, ARUP Laboratories
Classification: Pathogenic. Last evaluated: 2017-11-14. Review status: criteria provided, single submitter. Criteria: ARUP Molecular Germline Variant Investigation Process. Collection method: clinical testing. Allele origin: germline.

Literature cited by the submitters: PubMed 26708955 (cited by Labcorp Genetics (formerly Invitae), Labcorp); PubMed 1695717 (cited by Labcorp Genetics (formerly Invitae), Labcorp); PubMed 7691345 (cited by Labcorp Genetics (formerly Invitae), Labcorp); PubMed 9725922 (cited by Labcorp Genetics (formerly Invitae), Labcorp).

NM_000492.4(CFTR):c.51del (p.Phe17fs)

Gene: CFTR (CF transmembrane conductance regulator; plus strand). Cytogenetic location: 7q31.2.
Variant type: Deletion.
Coding change: c.51del on transcript NM_000492.4 (MANE Select); coding-DNA position 51, one base deleted (C; older notation c.51delC).
Protein change: p.Phe17fs; shifts the reading frame from phenylalanine 17.
Molecular consequence: frameshift variant.
Genome position (GRCh38, 1-based): chr7:117,480,145, C deleted. VCF-style (leftmost placement, unchanged base first): chr7-117480144-TC-T. GRCh37 (hg19) VCF-style: chr7-117120198-TC-T.
Other names: c.51delC (NM_000492.3); short protein forms F17fs.
Identifiers: ClinVar variation 618565 (VCV000618565.19), dbSNP rs1317756653, ClinGen allele CA832112992.